The following is an entry in ClinVar:

ClinVar aggregate classification (germline): Likely benign. Review status: criteria provided, multiple submitters, no conflicts (2 of 4 stars). 3 submissions from 3 submitters: Likely benign (3). Last evaluated 2026-01-10.

Conditions:
Autosomal recessive limb-girdle muscular dystrophy type 2J (LGMDR10). Also called: Limb-girdle muscular dystrophy, type 2J; MUSCULAR DYSTROPHY, LIMB-GIRDLE, AUTOSOMAL RECESSIVE 10. Identifiers: Orphanet 140922, MedGen C1837342, MONDO:0012127, OMIM 608807.
Dilated cardiomyopathy 1G (CMD1G). Identifiers: Orphanet 154, MedGen C1858763, MONDO:0011400, OMIM 604145.

Allele frequency attached by ClinVar (database versions not stated): gnomAD exomes 0.00001; ExAC 0.00002; gnomAD 0.00003; TOPMed 0.00003.
gnomAD v4.1: 14 of 1,613,492 alleles (0.00087%); highest among the groups gnomAD compares: Non-Finnish European, 0.0012%; no homozygotes.

Submissions (3):

Women's Health and Genetics/Laboratory Corporation of America, LabCorp
Classification: Likely benign. Last evaluated: 2026-01-10. Review status: criteria provided, single submitter. Criteria: LabCorp Variant Classification Summary - May 2015. Collection method: clinical testing. Allele origin: germline.

Labcorp Genetics (formerly Invitae), Labcorp
Classification: Likely benign for Dilated cardiomyopathy 1G; Autosomal recessive limb-girdle muscular dystrophy type 2J. Last evaluated: 2025-09-03. Review status: criteria provided, single submitter. Criteria: Invitae Variant Classification Sherloc (09022015). Collection method: clinical testing. Allele origin: germline.

CeGaT Center for Human Genetics Tuebingen
Classification: Likely benign. Last evaluated: 2022-10-01. Review status: criteria provided, single submitter. Criteria: CeGaT Center For Human Genetics Tuebingen Variant Classification Criteria Version 2. Collection method: clinical testing. Allele origin: germline. Affected: yes. Observed: 1 variant allele.
Comment: TTN: BP4, BP7

NM_001267550.2(TTN):c.39066T>A (p.Val13022=)

Gene: TTN (titin; minus strand). Cytogenetic location: 2q31.2.
Variant type: single nucleotide variant.
Coding change: c.39066T>A on transcript NM_001267550.2 (MANE Select); coding-DNA position 39066, T replaced by A.
Protein change: p.Val13022=; no amino-acid change (valine 13022 retained).
Molecular consequence: synonymous variant. On other transcripts: intron variant (3).
Genome position (GRCh38, 1-based): chr2:178,652,519, A>T on the plus strand (T>A on the coding strand, the complement: TTN is on the minus strand). VCF-style: chr2-178652519-A-T. GRCh37 (hg19) VCF-style: chr2-179517246-A-T.
Other names: c.34545T>A, p.Val11515= (NM_001256850.1); c.31764T>A, p.Val10588= (NM_133378.4); c.13283-10202T>A (NM_003319.4); c.13859-10202T>A (NM_133437.4); c.13658-10202T>A (NM_133432.3).
Identifiers: ClinVar variation 1108517 (VCV001108517.34), dbSNP rs759383677, ClinGen allele CA1996877.